The following is an entry in ClinVar:

ClinVar aggregate classification (germline): Uncertain significance (1 of 4 stars; one submission).

Submission:

Labcorp Genetics (formerly Invitae), Labcorp
Classification: Uncertain significance. Last evaluated: 2022-08-31. Review status: criteria provided, single submitter. Criteria: Invitae Variant Classification Sherloc (09022015). Collection method: clinical testing. Allele origin: germline.
Comment: This variant, c.1030_1053del, results in the deletion of 8 amino acid(s) of the GTPBP3 protein (p.Gly344_Val351del), but otherwise preserves the integrity of the reading frame. This variant is present in population databases (rs757262855, gnomAD 0.002%). This variant has not been reported in the literature in individuals affected with GTPBP3-related conditions. ClinVar contains an entry for this variant (Variation ID: 1378451). Experimental studies and prediction algorithms are not available or were not evaluated, and the functional significance of this variant is currently unknown. In summary, the available evidence is currently insufficient to determine the role of this variant in disease. Therefore, it has been classified as a Variant of Uncertain Significance.

NM_032620.4(GTPBP3):c.934_957del (p.Gly312_Val319del)

Gene: GTPBP3 (GTP binding protein 3, mitochondrial; plus strand). Cytogenetic location: 19p13.11.
Variant type: Deletion.
Coding change: c.934_957del on transcript NM_032620.4 (MANE Select); coding-DNA positions 934 to 957, 24 bases deleted (GGGCCCGTGGAGCAGGAGGGCGTG).
Protein change: p.Gly312_Val319del.
Molecular consequence: inframe deletion.
Genome position (GRCh38, 1-based): chr19:17,339,559-17,339,582, GGGCCCGTGGAGCAGGAGGGCGTG deleted; deleting any 24 consecutive bases within chr19:17,339,549-17,339,582 gives the same sequence; the c. name uses the placement nearest the transcript's 3' end. VCF-style (leftmost placement, unchanged base first): chr19-17339548-GGGAGGGCGTGGGGCCCGTGGAGCA-G. GRCh37 (hg19) VCF-style: chr19-17450357-GGGAGGGCGTGGGGCCCGTGGAGCA-G.
Other names: c.934_957del, p.Gly312_Val319del (NM_001128855.3); c.1000_1023del, p.Gly334_Val341del (NM_001195422.1); c.1030_1053del, p.Gly344_Val351del (NM_133644.4).
Identifiers: ClinVar variation 1378451 (VCV001378451.3), dbSNP rs757262855, ClinGen allele CA9293572.